The following is an entry in ClinVar:

NM_001008537.3(NEXMIF):c.2373A>C (p.Thr791=)

Gene: NEXMIF (neurite extension and migration factor; minus strand). Cytogenetic location: Xq13.3.
Variant type: single nucleotide variant.
Coding change: c.2373A>C on transcript NM_001008537.3 (MANE Select); coding-DNA position 2373, A replaced by C.
Protein change: p.Thr791=; no amino-acid change (threonine 791 retained).
Molecular consequence: synonymous variant.
Genome position (GRCh38, 1-based): chrX:74,742,184, T>G on the plus strand (A>C on the coding strand, the complement: NEXMIF is on the minus strand). VCF-style: chrX-74742184-T-G. GRCh37 (hg19) VCF-style: chrX-73962019-T-G.
Other names: p.Thr791=.
Identifiers: ClinVar variation 474061 (VCV000474061.21), dbSNP rs61742545, ClinGen allele CA10455050.
Genomic context (GRCh38, chrX:74,742,184, plus strand): 5'-CGGGATAACAGGTATATTAGTGGTAACATTAGCAGATGATAAAGGCATTTCAGAAGAGCA[T>G]GTCGTTGGTAGAAAAGTGGAACTCTTAGCAGCCTTTGCCTCATGAAATTCAGATAGACGG-3'
Protein context (NP_001008537.1, residues 781-801): AAKSSTFLPT[Thr791=]CSSEMPLSSA

ClinVar aggregate classification (germline): Benign/Likely benign. Review status: criteria provided, multiple submitters, no conflicts (2 of 4 stars). 7 submissions from 7 submitters: Benign (4); Likely benign (3). Last evaluated 2026-02-02.

Allele frequency attached by ClinVar (database versions not stated): gnomAD 0.00315; TOPMed 0.00422; 1000 Genomes Project 0.00424; 1000 Genomes Project 30x 0.00437; ESP Exome Variant Server 0.00464.
gnomAD v4.1: 787 of 1,209,894 alleles (0.065%); highest among the groups gnomAD compares: African/African-American, 1.2%; 3 homozygotes.

Submissions (7):

Labcorp Genetics (formerly Invitae), Labcorp
Classification: Benign. Last evaluated: 2026-02-02. Review status: criteria provided, single submitter. Criteria: Invitae Variant Classification Sherloc (09022015). Collection method: clinical testing. Allele origin: germline.

Mayo Clinic Laboratories, Mayo Clinic
Classification: Benign. Last evaluated: 2025-03-05. Review status: criteria provided, single submitter. Criteria: ACMG Guidelines, 2015. Collection method: clinical testing. Allele origin: germline. Observed: 2 variant alleles.
Comment: BS1, BS2, BP4, BP7

Blueprint Genetics
Classification: Likely benign. Last evaluated: 2024-11-06. Review status: criteria provided, single submitter. Criteria: ACMG Guidelines, 2015. Collection method: clinical testing. Allele origin: germline.

GeneDx
Classification: Benign. Last evaluated: 2019-09-13. Review status: criteria provided, single submitter. Criteria: GeneDx Variant Classification Process June 2021. Collection method: clinical testing. Allele origin: germline. Affected: yes.

Athena Diagnostics
Classification: Likely benign. Last evaluated: 2018-06-14. Review status: criteria provided, single submitter. Criteria: Athena Diagnostics Criteria. Collection method: clinical testing. Allele origin: germline.

Ambry Genetics
Classification: Benign. Last evaluated: 2014-09-30. Review status: criteria provided, single submitter. Criteria: Ambry Variant Classification Scheme 2023. Collection method: clinical testing. Allele origin: germline.

Breakthrough Genomics
Classification: Likely benign. Review status: criteria provided, single submitter. Criteria: ACMG Guidelines, 2015. Collection method: not provided. Allele origin: germline. Inheritance: X-linked inheritance. Affected: yes.